The following is an entry in ClinVar:

ClinVar aggregate classification (germline): Likely benign (1 of 4 stars; one submission).

Submission:

Molecular Diagnostic Laboratory for Inherited Cardiovascular Disease, Montreal Heart Institute
Classification: Likely benign. Last evaluated: 2025-04-09. Review status: criteria provided, single submitter. Criteria: ACMG Guidelines, 2015. Collection method: clinical testing. Allele origin: germline. Affected: no.
Comment: BS1;BP4

NM_001281740.3(FHOD3):c.1381G>A (p.Gly461Arg)

Gene: FHOD3 (formin homology 2 domain containing 3; plus strand). Cytogenetic location: 18q12.2.
Variant type: single nucleotide variant.
Coding change: c.1381G>A on transcript NM_001281740.3 (MANE Select); coding-DNA position 1381, G replaced by A.
Protein change: p.Gly461Arg; replaces glycine 461 with arginine.
Molecular consequence: missense variant. On other transcripts: intron variant (2).
Genome position (GRCh38, 1-based): chr18:36,652,664, G>A. VCF-style: chr18-36652664-G-A. GRCh37 (hg19) VCF-style: chr18-34232627-G-A.
Other names: c.1197-5411G>A (NM_025135.5, NM_001281739.3); short protein forms G461R.
Identifiers: ClinVar variation 3895200 (VCV003895200.1), dbSNP rs563399170.